The following is an entry in ClinVar:

NM_018006.5(TRMU):c.-25G>C

Gene: TRMU (tRNA mitochondrial 2-thiouridylase; plus strand). Cytogenetic location: 22q13.31.
Variant type: single nucleotide variant.
Coding change: c.-25G>C on transcript NM_018006.5 (MANE Select); 25 bases upstream of the start codon, G replaced by C.
Molecular consequence: 5 prime UTR variant. On other transcripts: non-coding transcript variant (2).
Genome position (GRCh38, 1-based): chr22:46,335,740, G>C. VCF-style: chr22-46335740-G-C. GRCh37 (hg19) VCF-style: chr22-46731637-G-C.
Other names: c.-260G>C (NM_001282782.2); c.-279G>C (NM_001282783.2, NM_001282784.2); c.-25G>C (NM_001282785.2).
Identifiers: ClinVar variation 5001575 (VCV005001575.1).
Genomic context (GRCh38, chr22:46,335,740, plus strand): 5'-GCGCGGACCCTACGGCCGGGGCGGGACTTCCGGCAAGGCGCGGAAGCGGCGGTAGCTGCA[G>C]CTGGCGAAGTTGGGCGACTGGCGGATGCAGGCCTTGCGGCACGTCGTGTGCGCCCTGTCC-3'

ClinVar aggregate classification (germline): Likely benign (1 of 4 stars; one submission).

Conditions:
TRMU-related disorder. Also called: TRMU-related condition.

gnomAD v4.1: 8 of 1,544,388 alleles (0.00052%); highest among the groups gnomAD compares: Non-Finnish European, 0.0007%; no homozygotes.

Submission:

PreventionGenetics, part of Exact Sciences
Classification: Likely benign for TRMU-related condition. Last evaluated: 2025-12-17. Review status: criteria provided, single submitter. Criteria: ACMG Guidelines, 2015. Collection method: clinical testing. Allele origin: germline.
Comment: This variant is classified as likely benign based on ACMG/AMP sequence variant interpretation guidelines (Richards et al. 2015 PMID: 25741868, with internal and published modifications).